The following is an entry in ClinVar:

NM_007272.3(CTRC):c.640-14C>T

Gene: CTRC (chymotrypsin C; plus strand). Cytogenetic location: 1p36.21.
Variant type: single nucleotide variant.
Coding change: c.640-14C>T on transcript NM_007272.3 (MANE Select); 14 bases into the intron before coding-DNA position 640, C replaced by T.
Molecular consequence: intron variant.
Genome position (GRCh38, 1-based): chr1:15,445,583, C>T. VCF-style: chr1-15445583-C-T. GRCh37 (hg19) VCF-style: chr1-15772078-C-T.
Identifiers: ClinVar variation 994412 (VCV000994412.21), dbSNP rs202049497, ClinGen allele CA613429.

ClinVar aggregate classification (germline): Benign/Likely benign. Review status: criteria provided, multiple submitters, no conflicts (2 of 4 stars). 4 submissions from 4 submitters: Benign (1); Likely benign (2). 1 of the submissions does not count toward it. Last evaluated 2026-02-27.

Conditions:
CTRC-related disorder. Also called: CTRC-related condition.
Hereditary pancreatitis (PCTT). Also called: PRSS1-Related Hereditary Pancreatitis; Hereditary chronic pancreatitis. Identifiers: Orphanet 676, MedGen C0238339, MONDO:0008185, OMIM 167800.

Allele frequency attached by ClinVar (database versions not stated): gnomAD exomes 0.00008 and 0.00012; ExAC 0.00016; gnomAD 0.00056 and 0.00060; TOPMed 0.00059; 1000 Genomes Project 0.00080; 1000 Genomes Project 30x 0.00094; ESP Exome Variant Server 0.00100.
gnomAD v4.1: 201 of 1,613,600 alleles (0.012%); highest among the groups gnomAD compares: African/African-American, 0.2%; no homozygotes.

Submissions (4):

Ambry Genetics
Classification: Likely benign for Hereditary pancreatitis. Last evaluated: 2026-02-27. Review status: criteria provided, single submitter. Criteria: Ambry Variant Classification Scheme 2023. Collection method: clinical testing. Allele origin: germline.

Labcorp Genetics (formerly Invitae), Labcorp
Classification: Benign for Hereditary pancreatitis. Last evaluated: 2025-07-14. Review status: criteria provided, single submitter. Criteria: Invitae Variant Classification Sherloc (09022015). Collection method: clinical testing. Allele origin: germline.

ARUP Laboratories, Molecular Genetics and Genomics, ARUP Laboratories
Classification: Likely benign for Hereditary pancreatitis. Last evaluated: 2024-03-18. Review status: criteria provided, single submitter. Criteria: ARUP Molecular Germline Variant Investigation Process 2024. Collection method: clinical testing. Allele origin: germline.

PreventionGenetics, part of Exact Sciences
Classification: Likely benign for CTRC-related condition. Last evaluated: 2019-05-01. Review status: no assertion criteria provided. Collection method: clinical testing. Allele origin: germline. Not counted in ClinVar's aggregate classification.
Comment: This variant is classified as likely benign based on ACMG/AMP sequence variant interpretation guidelines (Richards et al. 2015 PMID: 25741868, with internal and published modifications).